The following is an entry in ClinVar:

NM_014000.3(VCL):c.2608G>T (p.Val870Phe)

Gene: VCL (vinculin; plus strand). Cytogenetic location: 10q22.2.
Variant type: single nucleotide variant.
Coding change: c.2608G>T on transcript NM_014000.3 (MANE Select); coding-DNA position 2608, G replaced by T.
Protein change: p.Val870Phe; replaces valine 870 with phenylalanine.
Molecular consequence: missense variant.
Genome position (GRCh38, 1-based): chr10:74,109,019, G>T. VCF-style: chr10-74109019-G-T. GRCh37 (hg19) VCF-style: chr10-75868777-G-T.
Other names: c.2608G>T, p.Val870Phe (NM_003373.4); short protein forms V870F.
Identifiers: ClinVar variation 2756261 (VCV002756261.3), dbSNP rs991793227, ClinGen allele CA377264179.
Genomic context (GRCh38, chr10:74,109,019, plus strand): 5'-TCTCTTTTTTAGCTAACAGATGAGCTTGCTCCTCCCAAACCACCTCTGCCTGAAGGTGAG[G>T]TCCCTCCACCTAGGCCTCCACCACCAGAGGAAAAGGATGAAGAGTTCCCTGAGCAGAAGG-3'
Protein context (NP_054706.1, residues 860-880): PPKPPLPEGE[Val870Phe]PPPRPPPPEE

ClinVar aggregate classification (germline): Uncertain significance (1 of 4 stars; one submission).

Conditions:
Dilated cardiomyopathy 1W (CMD1W). Identifiers: Orphanet 154, MedGen C1969639, MONDO:0012667, OMIM 611407.

Submission:

Labcorp Genetics (formerly Invitae), Labcorp
Classification: Uncertain significance for Dilated cardiomyopathy 1W. Last evaluated: 2023-09-17. Review status: criteria provided, single submitter. Criteria: Invitae Variant Classification Sherloc (09022015). Collection method: clinical testing. Allele origin: germline.
Comment: This variant has not been reported in the literature in individuals affected with VCL-related conditions. This variant is not present in population databases (gnomAD no frequency). This sequence change replaces valine, which is neutral and non-polar, with phenylalanine, which is neutral and non-polar, at codon 870 of the VCL protein (p.Val870Phe). An algorithm developed to predict the effect of missense changes on protein structure and function (PolyPhen-2) suggests that this variant is likely to be disruptive. In summary, the available evidence is currently insufficient to determine the role of this variant in disease. Therefore, it has been classified as a Variant of Uncertain Significance.